The following is an entry in ClinVar:

ClinVar aggregate classification (germline): Uncertain significance. Review status: criteria provided, multiple submitters, no conflicts (2 of 4 stars). 2 submissions from 2 submitters: Uncertain significance (2). Last evaluated 2024-11-19.

Conditions:
Intellectual developmental disorder, autosomal dominant 51. Also called: Intellectual disability, autosomal dominant 51; MENTAL RETARDATION, AUTOSOMAL DOMINANT 51. Identifiers: Orphanet 684226, MedGen C4540474, MONDO:0030917, OMIM 617788.

gnomAD v4.1: 5 of 1,614,098 alleles (0.00031%); highest among the groups gnomAD compares: South Asian, 0.0011%; no homozygotes.

Submissions (2):

Revvity Omics, Revvity
Classification: Uncertain significance for Intellectual developmental disorder, autosomal dominant 51. Last evaluated: 2024-11-19. Review status: criteria provided, single submitter. Criteria: ACMG Guidelines, 2015. Collection method: clinical testing. Allele origin: germline.

GeneDx
Classification: Uncertain significance. Last evaluated: 2023-12-31. Review status: criteria provided, single submitter. Criteria: GeneDx Variant Classification Process June 2021. Collection method: clinical testing. Allele origin: germline. Affected: yes.
Comment: Not observed at significant frequency in large population cohorts (gnomAD); In silico analysis supports that this missense variant does not alter protein structure/function; Has not been previously published as pathogenic or benign to our knowledge

NM_017635.5(KMT5B):c.2542G>A (p.Asp848Asn)

Gene: KMT5B (lysine methyltransferase 5B; minus strand). Cytogenetic location: 11q13.2.
Variant type: single nucleotide variant.
Coding change: c.2542G>A on transcript NM_017635.5 (MANE Select); coding-DNA position 2542, G replaced by A.
Protein change: p.Asp848Asn; replaces aspartic acid 848 with asparagine.
Molecular consequence: missense variant.
Genome position (GRCh38, 1-based): chr11:68,157,804, C>T on the plus strand (G>A on the coding strand, the complement: KMT5B is on the minus strand). VCF-style: chr11-68157804-C-T. GRCh37 (hg19) VCF-style: chr11-67925271-C-T.
Other names: c.2026G>A, p.Asp676Asn (NM_001300907.1, NM_001369428.1, NM_001369429.1 and 4 more transcripts); c.1822G>A, p.Asp608Asn (NM_001300908.2); c.2542G>A, p.Asp848Asn (NM_001369426.1); short protein forms D608N, D676N, D848N.
Identifiers: ClinVar variation 3340811 (VCV003340811.2).